The following is an entry in ClinVar:

ClinVar aggregate classification (germline): Likely benign. Review status: criteria provided, multiple submitters, no conflicts (2 of 4 stars). 2 submissions from 2 submitters: Likely benign (2). Last evaluated 2026-02-11.

Conditions:
Cohen syndrome (COH1). Also called: Cutis verticis gyrata, retinitis pigmentosa, and sensorineural deafness; PEPPER SYNDROME. Identifiers: Orphanet 193, MedGen C0265223, MONDO:0008999, OMIM 216550.
VPS13B-related disorder. Also called: VPS13B-related condition.

Allele frequency attached by ClinVar (database versions not stated): gnomAD exomes below 0.00001 and 0.00001; TOPMed below 0.00001; gnomAD 0.00001.
gnomAD v4.1: 4 of 1,613,722 alleles (0.00025%); highest among the groups gnomAD compares: Admixed American, 0.005%; no homozygotes.

Submissions (2):

PreventionGenetics, part of Exact Sciences
Classification: Likely benign for VPS13B-related condition. Last evaluated: 2026-02-11. Review status: criteria provided, single submitter. Criteria: ACMG Guidelines, 2015. Collection method: clinical testing. Allele origin: germline.
Comment: This variant is classified as likely benign based on ACMG/AMP sequence variant interpretation guidelines (Richards et al. 2015 PMID: 25741868, with internal and published modifications).

Labcorp Genetics (formerly Invitae), Labcorp
Classification: Likely benign for Cohen syndrome. Last evaluated: 2023-06-20. Review status: criteria provided, single submitter. Criteria: Invitae Variant Classification Sherloc (09022015). Collection method: clinical testing. Allele origin: germline.

NM_152564.5(VPS13B):c.9468G>A (p.Gln3156=)

Gene: VPS13B (vacuolar protein sorting 13 homolog B; plus strand). Cytogenetic location: 8q22.2.
Variant type: single nucleotide variant.
Coding change: c.9468G>A on transcript NM_152564.5 (MANE Select); coding-DNA position 9468, G replaced by A.
Protein change: p.Gln3156=; no amino-acid change (glutamine 3156 retained).
Molecular consequence: synonymous variant.
Genome position (GRCh38, 1-based): chr8:99,832,506, G>A. VCF-style: chr8-99832506-G-A. GRCh37 (hg19) VCF-style: chr8-100844734-G-A.
Other names: c.9468G>A (NM_152564.4); c.9543G>A, p.Gln3181= (NM_017890.5).
Identifiers: ClinVar variation 1099501 (VCV001099501.10), dbSNP rs1423791832, ClinGen allele CA462457887.